The following is an entry in ClinVar:

NM_004982.4(KCNJ8):c.874G>A (p.Val292Ile)

Genes: KCNJ8 (potassium inwardly rectifying channel subfamily J member 8; minus strand), KCNJ8-AS1 (KCNJ8 antisense RNA 1; plus strand). Cytogenetic location: 12p12.1.
Variant type: single nucleotide variant.
Coding change: c.874G>A on transcript NM_004982.4 (MANE Select); coding-DNA position 874, G replaced by A.
Protein change: p.Val292Ile; replaces valine 292 with isoleucine.
Molecular consequence: missense variant.
Genome position (GRCh38, 1-based): chr12:21,766,124, C>T on the plus strand (G>A on the coding strand, the complement: KCNJ8 is on the minus strand). VCF-style: chr12-21766124-C-T. GRCh37 (hg19) VCF-style: chr12-21919058-C-T.
Other names: short protein forms V292I.
Identifiers: ClinVar variation 3862870 (VCV003862870.1).

ClinVar aggregate classification (germline): Uncertain significance (1 of 4 stars; one submission).

Conditions:
Cardiovascular phenotype. Identifiers: MedGen CN230736.

gnomAD v4.1: 51 of 1,614,040 alleles (0.0032%); highest among the groups gnomAD compares: Non-Finnish European, 0.0042%; no homozygotes.

Submission:

Ambry Genetics
Classification: Uncertain significance for Cardiovascular phenotype. Last evaluated: 2025-02-13. Review status: criteria provided, single submitter. Criteria: Ambry Variant Classification Scheme 2023. Collection method: clinical testing. Allele origin: germline.
Comment: The p.V292I variant (also known as c.874G>A), located in coding exon 2 of the KCNJ8 gene, results from a G to A substitution at nucleotide position 874. The valine at codon 292 is replaced by isoleucine, an amino acid with highly similar properties. This amino acid position is conserved. In addition, this alteration is predicted to be tolerated by in silico analysis. Based on the available evidence, the clinical significance of this variant remains unclear.